The following is an entry in ClinVar:

ClinVar aggregate classification (germline): Uncertain significance. Review status: criteria provided, multiple submitters, no conflicts (2 of 4 stars). 4 submissions from 4 submitters: Uncertain significance (4). Last evaluated 2026-07-10.

Conditions:
IFT140-related disorder. Also called: IFT140-related condition.
Inborn genetic diseases. Identifiers: MedGen C0950123, MeSH D030342.
Saldino-Mainzer syndrome (SRTD9). Also called: SHORT-RIB THORACIC DYSPLASIA 9 WITHOUT POLYDACTYLY; CONORENAL SYNDROME; short-rib thoracic dysplasia 9 with or without polydactyly; Renal dysplasia, retinal pigmentary dystrophy, cerebellar ataxia and skeletal dysplasia. Identifiers: Orphanet 140969, MedGen C1849437, MONDO:0009964, OMIM 266920.

Allele frequency attached by ClinVar (database versions not stated): gnomAD exomes 0.00006; ExAC 0.00010; TOPMed 0.00012.
gnomAD v4.1: 96 of 1,597,332 alleles (0.006%); highest among the groups gnomAD compares: Middle Eastern, 0.017%; no homozygotes.

Submissions (4):

PreventionGenetics, part of Exact Sciences
Classification: Uncertain significance for IFT140-related condition. Last evaluated: 2026-07-10. Review status: criteria provided, single submitter. Criteria: ACMG Guidelines, 2015. Collection method: clinical testing. Allele origin: germline.
Comment: The IFT140 c.2530G>C variant is predicted to result in the amino acid substitution p.Glu844Gln. This variant was reported as E844Q in a functional study of human IFT140 variants using C. elegans as a model organism and this study suggested the corresponding variant in C. elegans (E817K) is likely benign (Cevik et al. 2023. PubMed ID: 37933433). This variant is reported in 0.011% of alleles in individuals of European (Non-Finnish) descent in gnomAD. At this time, the clinical significance of this variant is uncertain due to the absence of conclusive functional and genetic evidence.

Blueprint Genetics
Classification: Uncertain significance. Last evaluated: 2024-11-11. Review status: criteria provided, single submitter. Criteria: ACMG Guidelines, 2015. Collection method: clinical testing. Allele origin: germline.

Ambry Genetics
Classification: Uncertain significance for Inborn genetic diseases. Last evaluated: 2023-02-06. Review status: criteria provided, single submitter. Criteria: Ambry Variant Classification Scheme 2023. Collection method: clinical testing. Allele origin: germline.

Labcorp Genetics (formerly Invitae), Labcorp
Classification: Uncertain significance for Saldino-Mainzer syndrome. Last evaluated: 2022-10-17. Review status: criteria provided, single submitter. Criteria: Invitae Variant Classification Sherloc (09022015). Collection method: clinical testing. Allele origin: germline.
Comment: This sequence change replaces glutamic acid, which is acidic and polar, with glutamine, which is neutral and polar, at codon 844 of the IFT140 protein (p.Glu844Gln). This variant is present in population databases (rs768971224, gnomAD 0.01%). This variant has not been reported in the literature in individuals affected with IFT140-related conditions. ClinVar contains an entry for this variant (Variation ID: 1002418). Advanced modeling of protein sequence and biophysical properties (such as structural, functional, and spatial information, amino acid conservation, physicochemical variation, residue mobility, and thermodynamic stability) performed at Invitae indicates that this missense variant is not expected to disrupt IFT140 protein function. In summary, the available evidence is currently insufficient to determine the role of this variant in disease. Therefore, it has been classified as a Variant of Uncertain Significance.

NM_014714.4(IFT140):c.2530G>C (p.Glu844Gln)

Gene: IFT140 (intraflagellar transport 140; minus strand). Cytogenetic location: 16p13.3.
Variant type: single nucleotide variant.
Coding change: c.2530G>C on transcript NM_014714.4 (MANE Select); coding-DNA position 2530, G replaced by C.
Protein change: p.Glu844Gln; replaces glutamic acid 844 with glutamine.
Molecular consequence: missense variant.
Genome position (GRCh38, 1-based): chr16:1,526,666, C>G on the plus strand (G>C on the coding strand, the complement: IFT140 is on the minus strand). VCF-style: chr16-1526666-C-G. GRCh37 (hg19) VCF-style: chr16-1576667-C-G.
Other names: c.2530G>C (NM_014714.3); short protein forms E844Q.
Identifiers: ClinVar variation 1002418 (VCV001002418.8), dbSNP rs768971224, ClinGen allele CA7813596.